The following is an entry in ClinVar:

NM_003073.5(SMARCB1):c.93+7C>T

Gene: SMARCB1 (SWI/SNF related BAF chromatin remodeling complex subunit B1; plus strand). Cytogenetic location: 22q11.23.
Variant type: single nucleotide variant.
Coding change: c.93+7C>T on transcript NM_003073.5 (MANE Select); 7 bases into the intron after coding-DNA position 93, C replaced by T.
Molecular consequence: intron variant.
Genome position (GRCh38, 1-based): chr22:23,787,269, C>T. VCF-style: chr22-23787269-C-T. GRCh37 (hg19) VCF-style: chr22-24129456-C-T.
Other names: c.93+7C>T (LRG_520t1, NM_001362877.2, NM_001317946.2 and 2 more transcripts).
Identifiers: ClinVar variation 416322 (VCV000416322.13), dbSNP rs369557828, ClinGen allele CA10145826.

ClinVar aggregate classification (germline): Likely benign. Review status: criteria provided, single submitter (1 of 4 stars). 2 submissions from 2 submitters: Likely benign (1). 1 of the submissions does not count toward it. Last evaluated 2026-01-30.

Conditions:
SMARCB1-related disorder. Also called: SMARCB1-related disorders; SMARCB1-related condition.

Allele frequency attached by ClinVar (database versions not stated): gnomAD exomes 0.00002 and 0.00004; ExAC 0.00006; ESP Exome Variant Server 0.00008; gnomAD 0.00013 and 0.00014; TOPMed 0.00016; 1000 Genomes Project 0.00040; 1000 Genomes Project 30x 0.00062.
gnomAD v4.1: 49 of 1,567,500 alleles (0.0031%); highest among the groups gnomAD compares: African/African-American, 0.051%; no homozygotes.

Submissions (2):

Labcorp Genetics (formerly Invitae), Labcorp
Classification: Likely benign. Last evaluated: 2026-01-30. Review status: criteria provided, single submitter. Criteria: Invitae Variant Classification Sherloc (09022015). Collection method: clinical testing. Allele origin: germline.

PreventionGenetics, part of Exact Sciences
Classification: Likely benign for SMARCB1-related condition. Last evaluated: 2024-06-03. Review status: no assertion criteria provided. Collection method: clinical testing. Allele origin: germline. Not counted in ClinVar's aggregate classification.
Comment: This variant is classified as likely benign based on ACMG/AMP sequence variant interpretation guidelines (Richards et al. 2015 PMID: 25741868, with internal and published modifications).